The following is an entry in ClinVar:

ClinVar aggregate classification (germline): Uncertain significance. Review status: criteria provided, multiple submitters, no conflicts (2 of 4 stars). 2 submissions from 2 submitters: Uncertain significance (2). Last evaluated 2024-05-14.

Conditions:
Developmental and epileptic encephalopathy, 42 (DEE42A). Also called: Epileptic encephalopathy, early infantile, 42; DEVELOPMENTAL AND EPILEPTIC ENCEPHALOPATHY 42A; EPILEPTIC ENCEPHALOPATHY, EARLY INFANTILE, 42A. Identifiers: MedGen C4310716, MONDO:0014917, OMIM 617106.
Episodic ataxia type 2 (EA2). Also called: CEREBELLAR ATAXIA, PAROXYSMAL, ACETAZOLAMIDE-RESPONSIVE; CEREBELLOPATHY, HEREDITARY PAROXYSMAL; EPISODIC ATAXIA, NYSTAGMUS-ASSOCIATED; ACETAZOLAMIDE-RESPONSIVE HEREDITARY PAROXYSMAL CEREBELLAR ATAXIA; ATAXIA, EPISODIC, WITH NYSTAGMUS; ATAXIA, FAMILIAL PAROXYSMAL. Identifiers: Orphanet 97, MedGen C1720416, MONDO:0007163, OMIM 108500.

Submissions (2):

GeneDx
Classification: Uncertain significance. Last evaluated: 2024-05-14. Review status: criteria provided, single submitter. Criteria: GeneDx Variant Classification Process June 2021. Collection method: clinical testing. Allele origin: germline. Affected: yes.
Comment: Not observed at significant frequency in large population cohorts (gnomAD); In-frame deletion of 1 amino acids in a non-repeat region; In silico analysis supports a deleterious effect on protein structure/function; Has not been previously published as pathogenic or benign to our knowledge

Labcorp Genetics (formerly Invitae), Labcorp
Classification: Uncertain significance for Developmental and epileptic encephalopathy, 42; Episodic ataxia type 2. Last evaluated: 2021-08-27. Review status: criteria provided, single submitter. Criteria: Invitae Variant Classification Sherloc (09022015). Collection method: clinical testing. Allele origin: germline.

NM_001127222.2(CACNA1A):c.1978_1980del (p.Val660del)

Gene: CACNA1A (calcium voltage-gated channel subunit alpha1 A; minus strand). Cytogenetic location: 19p13.13.
Variant type: Deletion.
Coding change: c.1978_1980del on transcript NM_001127222.2 (MANE Select); coding-DNA positions 1978 to 1980, 3 bases deleted (GTG; older notation c.1978_1980delGTG).
Protein change: p.Val660del; deletes valine 660.
Molecular consequence: inframe deletion.
Genome position (GRCh38, 1-based): chr19:13,307,788-13,307,790, CAC deleted on the plus strand (GTG on the coding strand, the reverse complement: CACNA1A is on the minus strand); deleting any 3 consecutive bases within chr19:13,307,788-13,307,791 gives the same sequence; the c. name uses the placement nearest the transcript's 3' end. VCF-style (leftmost placement, unchanged base first): chr19-13307787-ACAC-A. GRCh37 (hg19) VCF-style: chr19-13418601-ACAC-A.
Other names: c.1981_1983del, p.Val661del (NM_000068.4, NM_001127221.2, NM_001174080.2 and 1 more transcripts); short protein forms V660del, V661del.
Identifiers: ClinVar variation 972361 (VCV000972361.6), dbSNP rs2057937382, ClinGen allele CA1139666332.
Genomic context (GRCh38, chr19:13,307,787, plus strand): 5'-CTTTCATCTGTGACACTGAGAGGTGTTGGCCCGTGGGGCCAGGTGGAGGCTGTACCTGAA[ACAC>A]CGTCATTATTGCTGCTGGAAAAGTATCGAAGTTGGTGGGAGGAGTCCCTTCATCGAAATT-3'